The following is an entry in ClinVar:

ClinVar aggregate classification (germline): Likely benign. Review status: criteria provided, single submitter (1 of 4 stars). 2 submissions from 2 submitters: Likely benign (1). 1 of the submissions does not count toward it. Last evaluated 2025-05-27.

Conditions:
RNASEH1-related disorder. Also called: RNASEH1-related condition.

Allele frequency attached by ClinVar (database versions not stated): gnomAD exomes below 0.00001; TOPMed 0.00001; ExAC 0.00001; gnomAD 0.00001.
gnomAD v4.1: 8 of 1,608,558 alleles (0.0005%); highest among the groups gnomAD compares: Non-Finnish European, 0.00059%; no homozygotes.

Submissions (2):

Labcorp Genetics (formerly Invitae), Labcorp
Classification: Likely benign. Last evaluated: 2025-05-27. Review status: criteria provided, single submitter. Criteria: Invitae Variant Classification Sherloc (09022015). Collection method: clinical testing. Allele origin: germline.

PreventionGenetics, part of Exact Sciences
Classification: Likely benign for RNASEH1-related condition. Last evaluated: 2020-04-29. Review status: no assertion criteria provided. Collection method: clinical testing. Allele origin: germline. Not counted in ClinVar's aggregate classification.
Comment: This variant is classified as likely benign based on ACMG/AMP sequence variant interpretation guidelines (Richards et al. 2015 PMID: 25741868, with internal and published modifications).

NM_002936.6(RNASEH1):c.396G>A (p.Thr132=)

Gene: RNASEH1 (ribonuclease H1; minus strand). Cytogenetic location: 2p25.3.
Variant type: single nucleotide variant.
Coding change: c.396G>A on transcript NM_002936.6 (MANE Select); coding-DNA position 396, G replaced by A.
Protein change: p.Thr132=; no amino-acid change (threonine 132 retained).
Molecular consequence: synonymous variant. On other transcripts: non-coding transcript variant (6).
Genome position (GRCh38, 1-based): chr2:3,552,157, C>T on the plus strand (G>A on the coding strand, the complement: RNASEH1 is on the minus strand). VCF-style: chr2-3552157-C-T. GRCh37 (hg19) VCF-style: chr2-3599747-C-T.
Other names: c.318G>A, p.Thr106= (NM_001286834.3); c.45G>A, p.Thr15= (NM_001286837.3); c.396G>A, p.Thr132= (NM_001378271.1, NM_001378272.1, NM_001378273.1); c.396G>A (NM_002936.4).
Identifiers: ClinVar variation 3008316 (VCV003008316.5), dbSNP rs780384330, ClinGen allele CA1516294.